The following is an entry in ClinVar:

NM_006269.2(RP1):c.788-61C>G

Gene: RP1 (RP1 axonemal microtubule associated; plus strand). Cytogenetic location: 8q12.1.
Variant type: single nucleotide variant.
Coding change: c.788-61C>G on transcript NM_006269.2 (MANE Select); 61 bases into the intron before coding-DNA position 788, C replaced by G.
Molecular consequence: intron variant.
Genome position (GRCh38, 1-based): chr8:54,624,609, C>G. VCF-style: chr8-54624609-C-G. GRCh37 (hg19) VCF-style: chr8-55537169-C-G.
Other names: c.787+2321C>G (NM_001375654.1).
Identifiers: ClinVar variation 4863454 (VCV004863454.1).
Genomic context (GRCh38, chr8:54,624,609, plus strand): 5'-ACTAATCATTTCCCCTTTTCTCTTTCTTTTTTTGCTGCCTCTTCCTTTGGATATTTCTAA[C>G]TTCTCTGCCTTCCATATTATATTTTGATGTGGGCACCTTTTACTCTTAAAATCTTTAAAG-3'

ClinVar aggregate classification (germline): Uncertain significance (1 of 4 stars; one submission).

Conditions:
Inborn genetic diseases. Identifiers: MedGen C0950123, MeSH D030342.

gnomAD v4.1: 1 of 1,545,736 alleles (0.000065%); highest among the groups gnomAD compares: African/African-American, 0.0014%; no homozygotes.

Submission:

Ambry Genetics
Classification: Uncertain significance for Inborn genetic diseases. Last evaluated: 2026-06-01. Review status: criteria provided, single submitter. Criteria: Ambry Variant Classification Scheme 2023. Collection method: clinical testing. Allele origin: germline.
Comment: The c.788-61C>G intronic alteration consists of a C to G substitution 61 nucleotides before exon 4 (coding exon 3) of the RP1 gene. This variant was not reported in population-based cohorts in the Genome Aggregation Database (gnomAD). This nucleotide position is well conserved in available vertebrate species. In silico splice site analysis predicts that this alteration may result in the creation or strengthening of a novel splice acceptor site. Based on insufficient or conflicting evidence, the clinical significance of this alteration remains unclear.